The following is an entry in ClinVar:

ClinVar aggregate classification (germline): Conflicting classifications of pathogenicity. Review status: criteria provided, conflicting classifications (1 of 4 stars). 5 submissions from 5 submitters: Uncertain significance (2); Likely benign (2). 1 of the submissions does not count toward it. Last evaluated 2026-01-26.

Conditions:
NCF2-related disorder. Also called: NCF2-related condition.
Granulomatous disease, chronic, autosomal recessive, cytochrome b-positive, type 2. Also called: CGD, AUTOSOMAL RECESSIVE CYTOCHROME b-POSITIVE, TYPE II; GRANULOMATOUS DISEASE, CHRONIC, DUE TO NCF2 DEFICIENCY; Chronic Granulomatous Disease, Autosomal Recessive, Cytochrome b-Positive, Type II; GRANULOMATOUS DISEASE, CHRONIC, AUTOSOMAL RECESSIVE, 2; Chronic granulomatous disease due to deficiency of NCF-2. Identifiers: Orphanet 379, MedGen C1856245, MONDO:0009310, OMIM 233710.

Allele frequency attached by ClinVar (database versions not stated): gnomAD exomes 0.00015 and 0.00021; ExAC 0.00029; ESP Exome Variant Server 0.00031; gnomAD 0.00074 and 0.00078; TOPMed 0.00082; 1000 Genomes Project 30x 0.00094; 1000 Genomes Project 0.00100.

Submissions (5):

Labcorp Genetics (formerly Invitae), Labcorp
Classification: Likely benign for Granulomatous disease, chronic, autosomal recessive, cytochrome b-positive, type 2. Last evaluated: 2026-01-26. Review status: criteria provided, single submitter. Criteria: Invitae Variant Classification Sherloc (09022015). Collection method: clinical testing. Allele origin: germline.

Blueprint Genetics
Classification: Likely benign. Last evaluated: 2024-08-09. Review status: criteria provided, single submitter. Criteria: ACMG Guidelines, 2015. Collection method: clinical testing. Allele origin: germline.

Revvity Omics, Revvity
Classification: Uncertain significance for Granulomatous disease, chronic, autosomal recessive, cytochrome b-positive, type 2. Last evaluated: 2020-08-04. Review status: criteria provided, single submitter. Criteria: ACMG Guidelines, 2015. Collection method: clinical testing. Allele origin: germline.

Baylor Genetics
Classification: Uncertain significance for Granulomatous disease, chronic, autosomal recessive, cytochrome b-positive, type 2. Last evaluated: 2019-07-23. Review status: criteria provided, single submitter. Criteria: ACMG Guidelines, 2015. Collection method: clinical testing. Allele origin: unknown. Affected: yes.
Comment: This variant was determined to be of uncertain significance according to ACMG Guidelines, 2015 [PMID:25741868].

PreventionGenetics, part of Exact Sciences
Classification: Likely benign for NCF2-related condition. Last evaluated: 2024-07-10. Review status: no assertion criteria provided. Collection method: clinical testing. Allele origin: germline. Not counted in ClinVar's aggregate classification.
Comment: This variant is classified as likely benign based on ACMG/AMP sequence variant interpretation guidelines (Richards et al. 2015 PMID: 25741868, with internal and published modifications).

NM_000433.4(NCF2):c.938C>T (p.Pro313Leu)

Gene: NCF2 (neutrophil cytosolic factor 2; minus strand). Cytogenetic location: 1q25.3.
Variant type: single nucleotide variant.
Coding change: c.938C>T on transcript NM_000433.4 (MANE Select); coding-DNA position 938, C replaced by T.
Protein change: p.Pro313Leu; replaces proline 313 with leucine.
Molecular consequence: missense variant.
Genome position (GRCh38, 1-based): chr1:183,565,766, G>A on the plus strand (C>T on the coding strand, the complement: NCF2 is on the minus strand). VCF-style: chr1-183565766-G-A. GRCh37 (hg19) VCF-style: chr1-183534901-G-A.
Other names: c.938C>T, p.Pro313Leu (NM_001127651.3); c.695C>T, p.Pro232Leu (NM_001190789.2); c.803C>T, p.Pro268Leu (NM_001190794.2); short protein forms P313L, P232L, P268L.
Identifiers: ClinVar variation 791565 (VCV000791565.17), dbSNP rs137937390, ClinGen allele CA1284738.